The following is an entry in ClinVar:

ClinVar aggregate classification (germline): Uncertain significance (1 of 4 stars; one submission).

Submission:

Dasa
Classification: Uncertain significance. Last evaluated: 2026-07-29. Review status: criteria provided, single submitter. Criteria: DASA Assertion Criteria. Collection method: clinical testing. Allele origin: germline.
Comment: NM_000388.4(CASR):c.1952C>G (p.Ser651Cys) is a missense variant that results in the substitution of serine with cysteine. This variant is rare in population databases. Computational prediction algorithms are consistent with a deleterious effect. The currently available literature and clinical evidence are not sufficient to establish a definitive association between this variant and the reported condition. Therefore, this variant is classified as a variant of uncertain significance.

NM_000388.4(CASR):c.1952C>G (p.Ser651Cys)

Gene: CASR (calcium sensing receptor; plus strand). Cytogenetic location: 3q21.1.
Variant type: single nucleotide variant.
Coding change: c.1952C>G on transcript NM_000388.4 (MANE Select); coding-DNA position 1952, C replaced by G.
Protein change: p.Ser651Cys; replaces serine 651 with cysteine.
Molecular consequence: missense variant.
Genome position (GRCh38, 1-based): chr3:122,283,906, C>G. VCF-style: chr3-122283906-C-G. GRCh37 (hg19) VCF-style: chr3-122002753-C-G.
Other names: c.1982C>G, p.Ser661Cys (NM_001178065.2); short protein forms S651C, S661C.
Identifiers: ClinVar variation 5021085 (VCV005021085.1).